The following is an entry in ClinVar:

ClinVar aggregate classification (germline): Conflicting classifications of pathogenicity. Review status: criteria provided, conflicting classifications (1 of 4 stars). 3 submissions from 3 submitters: Uncertain significance (1); Likely benign (1). 1 of the submissions does not count toward it. Last evaluated 2025-11-02.

Conditions:
Episodic ataxia type 2 (EA2). Also called: ATAXIA, EPISODIC, WITH NYSTAGMUS; ATAXIA, FAMILIAL PAROXYSMAL; CEREBELLAR ATAXIA, PAROXYSMAL, ACETAZOLAMIDE-RESPONSIVE; CEREBELLOPATHY, HEREDITARY PAROXYSMAL; EPISODIC ATAXIA, NYSTAGMUS-ASSOCIATED; ACETAZOLAMIDE-RESPONSIVE HEREDITARY PAROXYSMAL CEREBELLAR ATAXIA. Identifiers: Orphanet 97, MedGen C1720416, MONDO:0007163, OMIM 108500.
Developmental and epileptic encephalopathy, 42 (DEE42A). Also called: DEVELOPMENTAL AND EPILEPTIC ENCEPHALOPATHY 42A; EPILEPTIC ENCEPHALOPATHY, EARLY INFANTILE, 42A; Epileptic encephalopathy, early infantile, 42. Identifiers: MedGen C4310716, MONDO:0014917, OMIM 617106.
CACNA1A-related disorder. Also called: CACNA1A-related condition.

Allele frequency attached by ClinVar (database versions not stated): gnomAD exomes below 0.00001 and 0.00001; ExAC 0.00001; gnomAD 0.00001; TOPMed 0.00001; ESP Exome Variant Server 0.00008.
gnomAD v4.1: 3 of 1,608,334 alleles (0.00019%); highest among the groups gnomAD compares: Admixed American, 0.0017%; no homozygotes.

Submissions (3):

Labcorp Genetics (formerly Invitae), Labcorp
Classification: Likely benign for Developmental and epileptic encephalopathy, 42; Episodic ataxia type 2. Last evaluated: 2025-11-02. Review status: criteria provided, single submitter. Criteria: Invitae Variant Classification Sherloc (09022015). Collection method: clinical testing. Allele origin: germline.

Athena Diagnostics
Classification: Uncertain significance. Last evaluated: 2020-12-15. Review status: criteria provided, single submitter. Criteria: Athena Diagnostics criteria. Collection method: clinical testing. Allele origin: unknown.

PreventionGenetics, part of Exact Sciences
Classification: Likely benign for CACNA1A-related condition. Last evaluated: 2021-12-30. Review status: no assertion criteria provided. Collection method: clinical testing. Allele origin: germline. Not counted in ClinVar's aggregate classification.
Comment: This variant is classified as likely benign based on ACMG/AMP sequence variant interpretation guidelines (Richards et al. 2015 PMID: 25741868, with internal and published modifications).

NM_001127222.2(CACNA1A):c.5839+10G>A

Gene: CACNA1A (calcium voltage-gated channel subunit alpha1 A; minus strand). Cytogenetic location: 19p13.13.
Variant type: single nucleotide variant.
Coding change: c.5839+10G>A on transcript NM_001127222.2 (MANE Select); 10 bases into the intron after coding-DNA position 5839, G replaced by A.
Molecular consequence: intron variant.
Genome position (GRCh38, 1-based): chr19:13,214,491, C>T on the plus strand (G>A on the coding strand, the complement: CACNA1A is on the minus strand). VCF-style: chr19-13214491-C-T. GRCh37 (hg19) VCF-style: chr19-13325305-C-T.
Other names: c.5839+10G>A (NM_001127222.1); c.5842+10G>A (NM_001127221.2); c.5848+10G>A (NM_001174080.2); c.5857+10G>A (NM_000068.4, NM_023035.3).
Identifiers: ClinVar variation 1112877 (VCV001112877.12), dbSNP rs371733571, ClinGen allele CA9239579.
Genomic context (GRCh38, chr19:13,214,491, plus strand): 5'-AGGCCTCCCCTTTCCCTCCCCCTCCATCTGTCCTGGTGGATTGGATCCCAGGGCTGGGCT[C>T]AGCTCTTACACTTGTGAGGTGTGACCAGCAGGTCTAGCGTCTTCTGGGACAGATTGGGCC-3'